The following is an entry in ClinVar:

NM_002292.4(LAMB2):c.1768G>A (p.Glu590Lys)

Gene: LAMB2 (laminin subunit beta 2; minus strand). Cytogenetic location: 3p21.31.
Variant type: single nucleotide variant.
Coding change: c.1768G>A on transcript NM_002292.4 (MANE Select); coding-DNA position 1768, G replaced by A.
Protein change: p.Glu590Lys; replaces glutamic acid 590 with lysine.
Molecular consequence: missense variant.
Genome position (GRCh38, 1-based): chr3:49,128,783, C>T on the plus strand (G>A on the coding strand, the complement: LAMB2 is on the minus strand). VCF-style: chr3-49128783-C-T. GRCh37 (hg19) VCF-style: chr3-49166216-C-T.
Other names: short protein forms E590K.
Identifiers: ClinVar variation 662619 (VCV000662619.5), dbSNP rs1405443471, ClinGen allele CA352733055.

ClinVar aggregate classification (germline): Uncertain significance. Review status: criteria provided, multiple submitters, no conflicts (2 of 4 stars). 3 submissions from 3 submitters: Uncertain significance (3). Last evaluated 2024-05-15.

Conditions:
Pierson syndrome. Also called: MICROCORIA-CONGENITAL NEPHROTIC SYNDROME. Identifiers: Orphanet 2670, MedGen C1836876, MONDO:0012184, OMIM 609049.
LAMB2-related infantile-onset nephrotic syndrome. Also called: NEPHROTIC SYNDROME, TYPE 5, WITHOUT OCULAR ABNORMALITIES; NEPHROTIC SYNDROME, TYPE 5, WITH OCULAR ABNORMALITIES; Nephrotic Syndrome, type 5. Identifiers: Orphanet 306507, MedGen C3280113, MONDO:0013621, OMIM 614199.

Allele frequency attached by ClinVar (database versions not stated): gnomAD 0.00001 and 0.00002; gnomAD exomes 0.00002; TOPMed 0.00002.
gnomAD v4.1: 36 of 1,613,772 alleles (0.0022%); highest among the groups gnomAD compares: Non-Finnish European, 0.0029%; no homozygotes.

Submissions (3):

Fulgent Genetics
Classification: Uncertain significance for Pierson syndrome; LAMB2-related infantile-onset nephrotic syndrome. Last evaluated: 2024-05-15. Review status: criteria provided, single submitter. Criteria: ACMG Guidelines, 2015. Collection method: clinical testing. Allele origin: germline.

Blueprint Genetics
Classification: Uncertain significance. Last evaluated: 2024-03-15. Review status: criteria provided, single submitter. Criteria: ACMG Guidelines, 2015. Collection method: clinical testing. Allele origin: germline.

Labcorp Genetics (formerly Invitae), Labcorp
Classification: Uncertain significance for LAMB2-related infantile-onset nephrotic syndrome; Pierson syndrome. Last evaluated: 2021-08-24. Review status: criteria provided, single submitter. Criteria: Invitae Variant Classification Sherloc (09022015). Collection method: clinical testing. Allele origin: germline.
Comment: This sequence change replaces glutamic acid with lysine at codon 590 of the LAMB2 protein (p.Glu590Lys). The glutamic acid residue is weakly conserved and there is a small physicochemical difference between glutamic acid and lysine. This variant is not present in population databases (ExAC no frequency). This variant has not been reported in the literature in individuals affected with LAMB2-related conditions. Algorithms developed to predict the effect of missense changes on protein structure and function (SIFT, PolyPhen-2, Align-GVGD) all suggest that this variant is likely to be tolerated. In summary, the available evidence is currently insufficient to determine the role of this variant in disease. Therefore, it has been classified as a Variant of Uncertain Significance.